The following is an entry in ClinVar:

ClinVar aggregate classification (germline): Uncertain significance. Review status: criteria provided, multiple submitters, no conflicts (2 of 4 stars). 3 submissions from 3 submitters: Uncertain significance (3). Last evaluated 2026-01-10.

Conditions:
Epidermolysis bullosa simplex with nail dystrophy (EBS5D). Identifiers: MedGen C4225309, MONDO:0014661, OMIM 616487.
Epidermolysis bullosa simplex 5B, with muscular dystrophy (EBS5B). Also called: Epidermolysis bullosa simplex with muscular dystrophy; EPIDERMOLYSIS BULLOSA SIMPLEX AND LIMB-GIRDLE MUSCULAR DYSTROPHY. Identifiers: Orphanet 257, MedGen C2931072, MONDO:0009181, OMIM 226670.
Epidermolysis bullosa simplex, Ogna type (EBS5A). Also called: EPIDERMOLYSIS BULLOSA SIMPLEX 5A, OGNA TYPE; Pidermolysis bullosa simplex 5A, Ogna type. Identifiers: Orphanet 79401, MedGen C0432317, MONDO:0007555, OMIM 131950.
Epidermolysis bullosa simplex 5C, with pyloric atresia (EBS5C). Also called: PLEC-Related Epidermolysis Bullosa with Pyloric Atresia; Epidermolysis bullosa simplex with pyloric atresia; PLEC1-Related Epidermolysis Bullosa with Pyloric Atresia. Identifiers: Orphanet 158684, MedGen C2677349, MONDO:0012807, OMIM 612138.
Autosomal recessive limb-girdle muscular dystrophy type 2Q (LGMDR17). Also called: MUSCULAR DYSTROPHY, LIMB-GIRDLE, AUTOSOMAL RECESSIVE 17. Identifiers: Orphanet 254361, MedGen C3150989, MONDO:0013390, OMIM 613723.
Inborn genetic diseases. Identifiers: MedGen C0950123, MeSH D030342.

Allele frequency attached by ClinVar (database versions not stated): gnomAD 0.00001; TOPMed 0.00001; ExAC 0.00004.
gnomAD v4.1: 55 of 1,608,804 alleles (0.0034%); highest among the groups gnomAD compares: East Asian, 0.016%; no homozygotes.

Submissions (3):

Labcorp Genetics (formerly Invitae), Labcorp
Classification: Uncertain significance for Autosomal recessive limb-girdle muscular dystrophy type 2Q; Epidermolysis bullosa simplex, Ogna type; Epidermolysis bullosa simplex with nail dystrophy; Epidermolysis bullosa simplex 5C, with pyloric atresia; Epidermolysis bullosa simplex 5B, with muscular dystrophy. Last evaluated: 2026-01-10. Review status: criteria provided, single submitter. Criteria: Invitae Variant Classification Sherloc (09022015). Collection method: clinical testing. Allele origin: germline.
Comment: This sequence change replaces arginine, which is basic and polar, with tryptophan, which is neutral and slightly polar, at codon 2698 of the PLEC protein (p.Arg2698Trp). This variant is present in population databases (rs782546279, gnomAD 0.01%). This variant has not been reported in the literature in individuals affected with PLEC-related conditions. ClinVar contains an entry for this variant (Variation ID: 1948258). An algorithm developed to predict the effect of missense changes on protein structure and function (PolyPhen-2) suggests that this variant is likely to be tolerated. In summary, the available evidence is currently insufficient to determine the role of this variant in disease. Therefore, it has been classified as a Variant of Uncertain Significance.

Revvity Omics, Revvity
Classification: Uncertain significance. Last evaluated: 2024-03-25. Review status: criteria provided, single submitter. Criteria: ACMG Guidelines, 2015. Collection method: clinical testing. Allele origin: germline.

Ambry Genetics
Classification: Uncertain significance for Inborn genetic diseases. Last evaluated: 2022-05-11. Review status: criteria provided, single submitter. Criteria: Ambry Variant Classification Scheme 2023. Collection method: clinical testing. Allele origin: germline.

NM_201384.3(PLEC):c.8011C>T (p.Arg2671Trp)

Gene: PLEC (plectin; minus strand). Cytogenetic location: 8q24.3.
Variant type: single nucleotide variant.
Coding change: c.8011C>T on transcript NM_201384.3 (MANE Select); coding-DNA position 8011, C replaced by T.
Protein change: p.Arg2671Trp; replaces arginine 2671 with tryptophan.
Molecular consequence: missense variant.
Genome position (GRCh38, 1-based): chr8:143,921,810, G>A on the plus strand (C>T on the coding strand, the complement: PLEC is on the minus strand). VCF-style: chr8-143921810-G-A. GRCh37 (hg19) VCF-style: chr8-144995978-G-A.
Other names: c.8092C>T, p.Arg2698Trp (NM_000445.5); c.4711C>T, p.Arg1571Trp (NM_001410941.1); c.7969C>T, p.Arg2657Trp (NM_201378.4); c.7945C>T, p.Arg2649Trp (NM_201379.3); c.8422C>T, p.Arg2808Trp (NM_201380.4); c.7915C>T, p.Arg2639Trp (NM_201381.3); c.8011C>T, p.Arg2671Trp (NM_201382.4); c.8023C>T, p.Arg2675Trp (NM_201383.3); short protein forms R2671W, R2675W, R2698W, R1571W, R2649W, R2657W, R2639W, R2808W.
Identifiers: ClinVar variation 1948258 (VCV001948258.9), dbSNP rs782546279, ClinGen allele CA4925454.
Genomic context (GRCh38, chr8:143,921,810, plus strand): 5'-AGTGGCGCACGTCTTCCCGCCGTGCGAGCTCGTCCACCGTGGTGTGGCCCTGCGCCAACC[G>A]CTGCAGCTCCTCCGCACTCAGGATGCCGGCCTCCTGCAGCCTCTGAGCTGACACCTTCCG-3'
Protein context (NP_958786.1, residues 2661-2681): AGILSAEELQ[Arg2671Trp]LAQGHTTVDE